The following is an entry in ClinVar:

NM_001378454.1(ALMS1):c.4820del (p.Lys1607fs)

Gene: ALMS1 (ALMS1 centrosome and basal body associated protein; plus strand). Cytogenetic location: 2p13.1.
Variant type: Deletion.
Coding change: c.4820del on transcript NM_001378454.1 (MANE Select); coding-DNA position 4820, one base deleted (A; older notation c.4820delA).
Protein change: p.Lys1607fs; shifts the reading frame from lysine 1607.
Molecular consequence: frameshift variant.
Genome position (GRCh38, 1-based): chr2:73,451,347, A deleted; the last of 7 consecutive A bases (chr2:73,451,341-73,451,347); deleting any one gives the same sequence. VCF-style (leftmost placement, unchanged base first): chr2-73451340-GA-G. GRCh37 (hg19) VCF-style: chr2-73678467-GA-G.
Other names: c.4823del, p.Lys1608fs (NM_015120.4); short protein forms K1607fs, K1608fs.
Identifiers: ClinVar variation 947961 (VCV000947961.9), dbSNP rs758098717, ClinGen allele CA1713770.

ClinVar aggregate classification (germline): Pathogenic (1 of 4 stars; one submission).

Conditions:
Alstrom syndrome (ALMS). Identifiers: Orphanet 64, MedGen C0268425, MONDO:0008763, OMIM 203800.

Submission:

Labcorp Genetics (formerly Invitae), Labcorp
Classification: Pathogenic for Alstrom syndrome. Last evaluated: 2024-10-16. Review status: criteria provided, single submitter. Criteria: Invitae Variant Classification Sherloc (09022015). Collection method: clinical testing. Allele origin: germline.
Comment: This sequence change creates a premature translational stop signal (p.Lys1608Argfs*9) in the ALMS1 gene. It is expected to result in an absent or disrupted protein product. Loss-of-function variants in ALMS1 are known to be pathogenic (PMID: 17594715). This variant is present in population databases (rs758098717, gnomAD 0.0009%). This premature translational stop signal has been observed in individual(s) with Alstrom syndrome (PMID: 25846608). ClinVar contains an entry for this variant (Variation ID: 947961). For these reasons, this variant has been classified as Pathogenic.

Literature cited by the submitters: PubMed 17594715; PubMed 25846608.